The following is an entry in ClinVar:

ClinVar aggregate classification (germline): Uncertain significance (1 of 4 stars; one submission).

Conditions:
Hereditary cancer-predisposing syndrome. Also called: Neoplastic Syndromes, Hereditary; Tumor predisposition; Hereditary neoplastic syndrome; Hereditary Cancer Syndrome. Identifiers: Orphanet 140162, MedGen C0027672, MeSH D009386, MONDO:0015356.

Submission:

Ambry Genetics
Classification: Uncertain significance for Hereditary cancer-predisposing syndrome. Last evaluated: 2024-02-28. Review status: criteria provided, single submitter. Criteria: Ambry Variant Classification Scheme 2023. Collection method: clinical testing. Allele origin: germline.
Comment: The p.L985M variant (also known as c.2953C>A), located in coding exon 18 of the RET gene, results from a C to A substitution at nucleotide position 2953. The leucine at codon 985 is replaced by methionine, an amino acid with highly similar properties. This amino acid position is conserved. In addition, the in silico prediction for this alteration is inconclusive. Based on the available evidence, the clinical significance of this alteration remains unclear.

NM_020975.6(RET):c.2953C>A (p.Leu985Met)

Gene: RET (ret proto-oncogene; plus strand). Cytogenetic location: 10q11.21.
Variant type: single nucleotide variant.
Coding change: c.2953C>A on transcript NM_020975.6 (MANE Select); coding-DNA position 2953, C replaced by A.
Protein change: p.Leu985Met; replaces leucine 985 with methionine.
Molecular consequence: missense variant.
Genome position (GRCh38, 1-based): chr10:43,124,896, C>A. VCF-style: chr10-43124896-C-A. GRCh37 (hg19) VCF-style: chr10-43620344-C-A.
Other names: c.2953C>A, p.Leu985Met (NM_020630.7, NM_000323.2, NM_001406743.1 and 4 more transcripts); c.2191C>A, p.Leu731Met (NM_001355216.2); c.2824C>A, p.Leu942Met (NM_001406761.1, NM_001406762.1, NM_001406764.1); c.2818C>A, p.Leu940Met (NM_001406763.1, NM_001406765.1); c.2665C>A, p.Leu889Met (NM_001406766.1, NM_001406767.1, NM_001406770.1); c.2689C>A, p.Leu897Met (NM_001406768.1); c.2557C>A, p.Leu853Met (NM_001406769.1, NM_001406772.1); c.2515C>A, p.Leu839Met (NM_001406771.1, NM_001406773.1); and 10 more; short protein forms L502M, L550M, L590M, L641M, L643M, L646M, L655M, L686M.
Identifiers: ClinVar variation 3227548 (VCV003227548.1), dbSNP rs2133016137, ClinGen allele CA376558049.
Genomic context (GRCh38, chr10:43,124,896, plus strand): 5'-ACCTGGCCCTGCTTGGATCATATTGGCCTGTCTGCTCTTCCCACCAGGTACCGCCTGATG[C>A]TGCAATGCTGGAAGCAGGAGCCGGACAAAAGGCCGGTGTTTGCGGACATCAGCAAAGACC-3'
Protein context (NP_066124.1, residues 975-995): NCSEEMYRLM[Leu985Met]QCWKQEPDKR